The following is an entry in ClinVar:

ClinVar aggregate classification (germline): Conflicting classifications of pathogenicity. Review status: criteria provided, conflicting classifications (1 of 4 stars). 2 submissions from 2 submitters: Uncertain significance (1); Likely benign (1). Last evaluated 2026-06-04.

Conditions:
PHC1-related disorder. Also called: PHC1-related condition.

gnomAD v4.1: 274 of 1,612,856 alleles (0.017%); highest among the groups gnomAD compares: African/African-American, 0.33%; no homozygotes.

Submissions (2):

PreventionGenetics, part of Exact Sciences
Classification: Likely benign for PHC1-related condition. Last evaluated: 2026-06-04. Review status: criteria provided, single submitter. Criteria: ACMG Guidelines, 2015. Collection method: clinical testing. Allele origin: germline.
Comment: This variant is classified as likely benign based on ACMG/AMP sequence variant interpretation guidelines (Richards et al. 2015 PMID: 25741868, with internal and published modifications).

Ambry Genetics
Classification: Uncertain significance. Last evaluated: 2025-11-06. Review status: criteria provided, single submitter. Criteria: Ambry Variant Classification Scheme 2023. Collection method: clinical testing. Allele origin: germline.

NM_004426.3(PHC1):c.604G>C (p.Ala202Pro)

Gene: PHC1 (polyhomeotic homolog 1; plus strand). Cytogenetic location: 12p13.31.
Variant type: single nucleotide variant.
Coding change: c.604G>C on transcript NM_004426.3 (MANE Select); coding-DNA position 604, G replaced by C.
Protein change: p.Ala202Pro; replaces alanine 202 with proline.
Molecular consequence: missense variant. On other transcripts: non-coding transcript variant (1), intron variant (1).
Genome position (GRCh38, 1-based): chr12:8,922,780, G>C. VCF-style: chr12-8922780-G-C. GRCh37 (hg19) VCF-style: chr12-9075376-G-C.
Other names: c.604G>C, p.Ala202Pro (NM_001413738.1, NM_001413744.1, NM_001413745.1 and 4 more transcripts); c.598G>C, p.Ala200Pro (NM_001413739.1); c.580G>C, p.Ala194Pro (NM_001413740.1, NM_001413750.1, NM_001413751.1 and 1 more transcripts); c.493G>C, p.Ala165Pro (NM_001413741.1); c.448G>C, p.Ala150Pro (NM_001413743.1); c.454G>C, p.Ala152Pro (NM_001413753.1, NM_001413754.1); c.456+1030G>C (NM_001413742.1); short protein forms A150P, A165P, A194P, A202P, A152P, A200P.
Identifiers: ClinVar variation 4567314 (VCV004567314.2).